The following is an entry in ClinVar:

NM_003001.5(SDHC):c.11T>G (p.Leu4Arg)

Gene: SDHC (succinate dehydrogenase complex subunit C; plus strand). Cytogenetic location: 1q23.3.
Variant type: single nucleotide variant.
Coding change: c.11T>G on transcript NM_003001.5 (MANE Select); coding-DNA position 11, T replaced by G.
Protein change: p.Leu4Arg; replaces leucine 4 with arginine.
Molecular consequence: missense variant.
Genome position (GRCh38, 1-based): chr1:161,314,416, T>G. VCF-style: chr1-161314416-T-G. GRCh37 (hg19) VCF-style: chr1-161284206-T-G.
Other names: c.11T>G, p.Leu4Arg (NM_001035511.3, NM_001035512.3, NM_001035513.3 and 6 more transcripts); c.-550T>G (NM_001407119.1); c.-219T>G (NM_001407120.1); short protein forms L4R.
Identifiers: ClinVar variation 967150 (VCV000967150.11), dbSNP rs774299337, ClinGen allele CA343354967.
Genomic context (GRCh38, chr1:161,314,416, plus strand): 5'-TCGGGTGGCGGGGCCGCCTGGCGTCACTTCCGTCCAGACCGGAACCCAAGATGGCTGCGC[T>G]GTTGCTGAGGTGACTTCAGTGGGACTGGGAGTTGGTGCCTGCGGCCCTCCGGAGATCTGA-3'
Protein context (NP_002992.1, residues 1-14): MAA[Leu4Arg]LLRHVGRHCL

ClinVar aggregate classification (germline): Uncertain significance (1 of 4 stars; one submission).

Conditions:
Gastrointestinal stromal tumor. Also called: Gastrointestinal stromal tumor, somatic; Gastrointestinal stroma tumor. Identifiers: Orphanet 44890, MedGen C0238198, MeSH D046152, MONDO:0011719, OMIM 606764, HP:0100723.
Pheochromocytoma/paraganglioma syndrome 3. Also called: GLOMUS TUMORS, FAMILIAL, 3; SDHC-Related Hereditary Paraganglioma-Pheochromocytoma Syndrome; Paragangliomas 3; SDHC-Related Hereditary Paraganglioma-Pheochromocytoma Syndrome (Paragangliomas 3). Identifiers: Orphanet 29072, MedGen C1854336, MONDO:0011544, OMIM 605373.

Submission:

Labcorp Genetics (formerly Invitae), Labcorp
Classification: Uncertain significance for Pheochromocytoma/paraganglioma syndrome 3; Gastrointestinal stromal tumor. Last evaluated: 2019-11-11. Review status: criteria provided, single submitter. Criteria: Invitae Variant Classification Sherloc (09022015). Collection method: clinical testing. Allele origin: germline.
Comment: This variant has not been reported in the literature in individuals with SDHC-related conditions. This variant is not present in population databases (ExAC no frequency). This sequence change replaces leucine with arginine at codon 4 of the SDHC protein (p.Leu4Arg). The leucine residue is moderately conserved and there is a moderate physicochemical difference between leucine and arginine. Algorithms developed to predict the effect of missense changes on protein structure and function are either unavailable or do not agree on the potential impact of this missense change (SIFT: "Deleterious"; PolyPhen-2: "Possibly Damaging"; Align-GVGD: "Class C0"). In summary, the available evidence is currently insufficient to determine the role of this variant in disease. Therefore, it has been classified as a Variant of Uncertain Significance.